The following is an entry in ClinVar:

ClinVar aggregate classification (germline): Uncertain significance. Review status: criteria provided, multiple submitters, no conflicts (2 of 4 stars). 2 submissions from 2 submitters: Uncertain significance (2). Last evaluated 2025-04-27.

Conditions:
Cone-rod dystrophy 6 (CORD6). Also called: RETINAL CONE DYSTROPHY 2; Cone dystrophy progressive. Identifiers: Orphanet 1872, MedGen C1866293, MONDO:0011143, OMIM 601777.
Leber congenital amaurosis 1 (LCA1). Also called: Congenital absence of the rods and cones; Leber's congenital tapetoretinal degeneration; Leber's congenital tapetoretinal dysplasia; RETINAL BLINDNESS, CONGENITAL; AMAUROSIS CONGENITA OF LEBER I. Identifiers: Orphanet 65, MedGen C2931258, MONDO:0008764, OMIM 204000.

Allele frequency attached by ClinVar (database versions not stated): TOPMed 0.00002; gnomAD 0.00004; gnomAD exomes 0.00004; ExAC 0.00006; 1000 Genomes Project 30x 0.00016; 1000 Genomes Project 0.00020.
gnomAD v4.1: 39 of 1,612,692 alleles (0.0024%); highest among the groups gnomAD compares: South Asian, 0.015%; no homozygotes.

Submissions (2):

Labcorp Genetics (formerly Invitae), Labcorp
Classification: Uncertain significance for Leber congenital amaurosis 1; Cone-rod dystrophy 6. Last evaluated: 2025-04-27. Review status: criteria provided, single submitter. Criteria: Invitae Variant Classification Sherloc (09022015). Collection method: clinical testing. Allele origin: germline.
Comment: This sequence change replaces alanine, which is neutral and non-polar, with valine, which is neutral and non-polar, at codon 703 of the GUCY2D protein (p.Ala703Val). This variant is present in population databases (rs577880164, gnomAD 0.03%). This variant has not been reported in the literature in individuals affected with GUCY2D-related conditions. ClinVar contains an entry for this variant (Variation ID: 958290). Invitae Evidence Modeling of protein sequence and biophysical properties (such as structural, functional, and spatial information, amino acid conservation, physicochemical variation, residue mobility, and thermodynamic stability) indicates that this missense variant is not expected to disrupt GUCY2D protein function with a negative predictive value of 80%. In summary, the available evidence is currently insufficient to determine the role of this variant in disease. Therefore, it has been classified as a Variant of Uncertain Significance.

Blueprint Genetics
Classification: Uncertain significance. Last evaluated: 2024-07-15. Review status: criteria provided, single submitter. Criteria: ACMG Guidelines, 2015. Collection method: clinical testing. Allele origin: germline.

NM_000180.4(GUCY2D):c.2108C>T (p.Ala703Val)

Gene: GUCY2D (guanylate cyclase 2D, retinal; plus strand). Cytogenetic location: 17p13.1.
Variant type: single nucleotide variant.
Coding change: c.2108C>T on transcript NM_000180.4 (MANE Select); coding-DNA position 2108, C replaced by T.
Protein change: p.Ala703Val; replaces alanine 703 with valine.
Molecular consequence: missense variant.
Genome position (GRCh38, 1-based): chr17:8,012,601, C>T. VCF-style: chr17-8012601-C-T. GRCh37 (hg19) VCF-style: chr17-7915919-C-T.
Other names: short protein forms A703V.
Identifiers: ClinVar variation 958290 (VCV000958290.10), dbSNP rs577880164, ClinGen allele CA8365991.